The following is an entry in ClinVar:

NM_001378454.1(ALMS1):c.8541G>T (p.Met2847Ile)

Gene: ALMS1 (ALMS1 centrosome and basal body associated protein; plus strand). Cytogenetic location: 2p13.1.
Variant type: single nucleotide variant.
Coding change: c.8541G>T on transcript NM_001378454.1 (MANE Select); coding-DNA position 8541, G replaced by T.
Protein change: p.Met2847Ile; replaces methionine 2847 with isoleucine.
Molecular consequence: missense variant.
Genome position (GRCh38, 1-based): chr2:73,490,500, G>T. VCF-style: chr2-73490500-G-T. GRCh37 (hg19) VCF-style: chr2-73717627-G-T.
Other names: c.8544G>T, p.Met2848Ile (NM_015120.4); short protein forms M2847I, M2848I.
Identifiers: ClinVar variation 959795 (VCV000959795.10), dbSNP rs1183007080, ClinGen allele CA347269340.

ClinVar aggregate classification (germline): Uncertain significance. Review status: criteria provided, multiple submitters, no conflicts (2 of 4 stars). 2 submissions from 2 submitters: Uncertain significance (2). Last evaluated 2024-01-19.

Conditions:
Alstrom syndrome (ALMS). Identifiers: Orphanet 64, MedGen C0268425, MONDO:0008763, OMIM 203800.
Cardiovascular phenotype. Identifiers: MedGen CN230736.

Allele frequency attached by ClinVar (database versions not stated): gnomAD 0.00001; TOPMed 0.00001.
gnomAD v4.1: 1 of 1,613,988 alleles (0.000062%); highest among the groups gnomAD compares: African/African-American, 0.0013%; no homozygotes.

Submissions (2):

Labcorp Genetics (formerly Invitae), Labcorp
Classification: Uncertain significance for Alstrom syndrome. Last evaluated: 2024-01-19. Review status: criteria provided, single submitter. Criteria: Invitae Variant Classification Sherloc (09022015). Collection method: clinical testing. Allele origin: germline.
Comment: This sequence change replaces methionine, which is neutral and non-polar, with isoleucine, which is neutral and non-polar, at codon 2848 of the ALMS1 protein (p.Met2848Ile). This variant is present in population databases (no rsID available, gnomAD 0.01%). This variant has not been reported in the literature in individuals affected with ALMS1-related conditions. ClinVar contains an entry for this variant (Variation ID: 959795). Experimental studies and prediction algorithms are not available or were not evaluated, and the functional significance of this variant is currently unknown. In summary, the available evidence is currently insufficient to determine the role of this variant in disease. Therefore, it has been classified as a Variant of Uncertain Significance.

Ambry Genetics
Classification: Uncertain significance for Cardiovascular phenotype. Last evaluated: 2022-12-09. Review status: criteria provided, single submitter. Criteria: Ambry Variant Classification Scheme 2023. Collection method: clinical testing. Allele origin: germline.
Comment: The p.M2848I variant (also known as c.8544G>T), located in coding exon 10 of the ALMS1 gene, results from a G to T substitution at nucleotide position 8544. The methionine at codon 2848 is replaced by isoleucine, an amino acid with highly similar properties. This amino acid position is not well conserved in available vertebrate species. In addition, this alteration is predicted to be tolerated by in silico analysis. Since supporting evidence is limited at this time, the clinical significance of this alteration remains unclear.